The following is an entry in ClinVar:

ClinVar aggregate classification (germline): Uncertain significance (1 of 4 stars; one submission).

Conditions:
Dilated cardiomyopathy 1W (CMD1W). Identifiers: Orphanet 154, MedGen C1969639, MONDO:0012667, OMIM 611407.

Allele frequency attached by ClinVar (database versions not stated): gnomAD exomes below 0.00001.
gnomAD v4.1: 1 of 1,614,098 alleles (0.000062%); highest among the groups gnomAD compares: Non-Finnish European, 0.000085%; no homozygotes.

Submission:

Labcorp Genetics (formerly Invitae), Labcorp
Classification: Uncertain significance for Dilated cardiomyopathy 1W. Last evaluated: 2022-12-11. Review status: criteria provided, single submitter. Criteria: Invitae Variant Classification Sherloc (09022015). Collection method: clinical testing. Allele origin: germline.
Comment: This variant is not present in population databases (gnomAD no frequency). This sequence change affects a donor splice site in intron 10 of the VCL gene. It is expected to disrupt RNA splicing. Variants that disrupt the donor or acceptor splice site typically lead to a loss of protein function (PMID: 16199547), however the current clinical and genetic evidence is not sufficient to establish whether loss-of-function variants in VCL cause disease. In summary, the available evidence is currently insufficient to determine the role of this variant in disease. Therefore, it has been classified as a Variant of Uncertain Significance. Algorithms developed to predict the effect of sequence changes on RNA splicing suggest that this variant may disrupt the consensus splice site. This variant has not been reported in the literature in individuals affected with VCL-related conditions.

Literature cited by the submitters: PubMed 16199547.

NM_014000.3(VCL):c.1352+2T>C

Gene: VCL (vinculin; plus strand). Cytogenetic location: 10q22.2.
Variant type: single nucleotide variant.
Coding change: c.1352+2T>C on transcript NM_014000.3 (MANE Select); the canonical splice donor site of the intron after coding-DNA position 1352, T replaced by C.
Molecular consequence: splice donor variant.
Genome position (GRCh38, 1-based): chr10:74,090,200, T>C. VCF-style: chr10-74090200-T-C. GRCh37 (hg19) VCF-style: chr10-75849958-T-C.
Other names: c.1352+2T>C (NM_003373.4).
Identifiers: ClinVar variation 2820108 (VCV002820108.3), dbSNP rs2549223391, ClinGen allele CA377273434.